The following is an entry in ClinVar:

NM_001005388.3(NFASC):c.3309G>A (p.Ala1103=)

Gene: NFASC (neurofascin; plus strand). Cytogenetic location: 1q32.1.
Variant type: single nucleotide variant.
Coding change: c.3309G>A on transcript NM_001005388.3 (MANE Select); coding-DNA position 3309, G replaced by A.
Protein change: p.Ala1103=; no amino-acid change (alanine 1103 retained).
Molecular consequence: synonymous variant.
Genome position (GRCh38, 1-based): chr1:205,009,576, G>A. VCF-style: chr1-205009576-G-A. GRCh37 (hg19) VCF-style: chr1-204978704-G-A.
Other names: c.3156G>A, p.Ala1052= (NM_001160331.2); c.3111G>A, p.Ala1037= (NM_001160332.2); c.2775G>A, p.Ala925= (NM_001365986.1); c.3630G>A, p.Ala1210= (NM_001378329.1); c.3096G>A, p.Ala1032= (NM_015090.4).
Identifiers: ClinVar variation 3060648 (VCV003060648.2), dbSNP rs55678495, ClinGen allele CA1350759.

ClinVar aggregate classification (germline): Benign (0 of 4 stars; one submission).

Conditions:
NFASC-related disorder. Also called: NFASC-related condition.

Allele frequency attached by ClinVar (database versions not stated): 1000 Genomes Project 0.05651; 1000 Genomes Project 30x 0.05856; TOPMed 0.10373; ExAC 0.10558; gnomAD 0.10654; ESP Exome Variant Server 0.11656; gnomAD exomes 0.14052.
gnomAD v4.1: 220,836 of 1,613,818 alleles (14%); highest among the groups gnomAD compares: Non-Finnish European, 16%; 16,807 homozygotes.

Submission:

PreventionGenetics, part of Exact Sciences
Classification: Benign for NFASC-related condition. Last evaluated: 2019-12-03. Review status: no assertion criteria provided. Collection method: clinical testing. Allele origin: germline.
Comment: This variant is classified as benign based on ACMG/AMP sequence variant interpretation guidelines (Richards et al. 2015 PMID: 25741868, with internal and published modifications).